The following is an entry in ClinVar:

NM_003193.5(TBCE):c.1465C>A (p.Leu489Ile)

Genes: B3GALNT2 (beta-1,3-N-acetylgalactosaminyltransferase 2; minus strand), TBCE (tubulin folding cofactor E; plus strand). Cytogenetic location: 1q42.3.
Variant type: single nucleotide variant.
Coding change: c.1465C>A on transcript NM_003193.5 (MANE Select); coding-DNA position 1465, C replaced by A.
Protein change: p.Leu489Ile; replaces leucine 489 with isoleucine.
Molecular consequence: missense variant. On other transcripts: 3 prime UTR variant (1).
Genome position (GRCh38, 1-based): chr1:235,448,414, C>A. VCF-style: chr1-235448414-C-A. GRCh37 (hg19) VCF-style: chr1-235611729-C-A.
Other names: c.*1792G>T (NM_152490.5); c.1465C>A, p.Leu489Ile (NM_001079515.3); c.1618C>A, p.Leu540Ile (NM_001287801.2); c.1126C>A, p.Leu376Ile (NM_001287802.2); short protein forms L489I, L376I, L540I.
Identifiers: ClinVar variation 282266 (VCV000282266.39), dbSNP rs143917509, ClinGen allele CA1464489.

ClinVar aggregate classification (germline): Conflicting classifications of pathogenicity. Review status: criteria provided, conflicting classifications (1 of 4 stars). 7 submissions from 7 submitters: Uncertain significance (6); Likely benign (1). Last evaluated 2026-05-01.

Conditions:
Encephalopathy, progressive, with amyotrophy and optic atrophy (PEAMO). Identifiers: MedGen C4310667, MONDO:0014968, OMIM 617207.
Autosomal recessive Kenny-Caffey syndrome (KCS1). Identifiers: Orphanet 2333, Orphanet 93324, MedGen C1855648, MONDO:0009486, OMIM 244460.
Hypoparathyroidism-retardation-dysmorphism syndrome (HRDS). Also called: SANJAD-SAKATI SYNDROME. Identifiers: Orphanet 2323, MedGen C1855840, MONDO:0009426, OMIM 241410.

Allele frequency attached by ClinVar (database versions not stated): 1000 Genomes Project 30x 0.00016; 1000 Genomes Project 0.00020; ExAC 0.00052; gnomAD exomes 0.00053 and 0.00066; gnomAD 0.00058 and 0.00064; ESP Exome Variant Server 0.00062; TOPMed 0.00080.
gnomAD v4.1: 1,083 of 1,614,032 alleles (0.067%); highest among the groups gnomAD compares: Admixed American, 0.12%; 3 homozygotes.

Submissions (7):

CeGaT Center for Human Genetics Tuebingen
Classification: Likely benign. Last evaluated: 2026-05-01. Review status: criteria provided, single submitter. Criteria: CeGaT Center For Human Genetics Tuebingen Variant Classification Criteria Version 2. Collection method: clinical testing. Allele origin: germline. Affected: yes. Observed: 9 variant alleles.
Comment: TBCE: BP4, BS2

Labcorp Genetics (formerly Invitae), Labcorp
Classification: Uncertain significance. Last evaluated: 2025-01-18. Review status: criteria provided, single submitter. Criteria: Invitae Variant Classification Sherloc (09022015). Collection method: clinical testing. Allele origin: germline.
Comment: This sequence change replaces leucine, which is neutral and non-polar, with isoleucine, which is neutral and non-polar, at codon 489 of the TBCE protein (p.Leu489Ile). This variant is present in population databases (rs143917509, gnomAD 0.09%), and has an allele count higher than expected for a pathogenic variant. This variant has not been reported in the literature in individuals affected with TBCE-related conditions. ClinVar contains an entry for this variant (Variation ID: 282266). Invitae Evidence Modeling of protein sequence and biophysical properties (such as structural, functional, and spatial information, amino acid conservation, physicochemical variation, residue mobility, and thermodynamic stability) indicates that this missense variant is not expected to disrupt TBCE protein function with a negative predictive value of 80%. In summary, the available evidence is currently insufficient to determine the role of this variant in disease. Therefore, it has been classified as a Variant of Uncertain Significance.

Blueprint Genetics
Classification: Uncertain significance. Last evaluated: 2024-09-13. Review status: criteria provided, single submitter. Criteria: ACMG Guidelines, 2015. Collection method: clinical testing. Allele origin: germline.

Department of Pathology and Laboratory Medicine, Sinai Health System
Classification: Uncertain significance for Hypoparathyroidism-retardation-dysmorphism syndrome; Autosomal recessive Kenny-Caffey syndrome; Encephalopathy, progressive, with amyotrophy and optic atrophy. Last evaluated: 2023-10-04. Review status: criteria provided, single submitter. Criteria: ACMG Guidelines, 2015. Collection method: research. Allele origin: germline.

GeneDx
Classification: Uncertain significance. Last evaluated: 2022-04-15. Review status: criteria provided, single submitter. Criteria: GeneDx Variant Classification Process June 2021. Collection method: clinical testing. Allele origin: germline. Affected: yes.
Comment: Identified in the heterozygous state in a family with primary hyperparathyroidism (Cetani et al., 2019); In silico analysis supports that this missense variant does not alter protein structure/function; This variant is associated with the following publications: (PMID: 31486992)

Illumina Laboratory Services, Illumina
Classification: Uncertain significance for Hypoparathyroidism-retardation-dysmorphism syndrome. Last evaluated: 2018-01-12. Review status: criteria provided, single submitter. Criteria: ICSL Variant Classification Criteria 13 December 2019. Collection method: clinical testing. Allele origin: germline.

Eurofins Ntd Llc (ga)
Classification: Uncertain significance. Last evaluated: 2015-08-31. Review status: criteria provided, single submitter. Criteria: EGL Classification Definitions 2015. Collection method: clinical testing. Allele origin: germline. Observed: 2 variant alleles, 2 heterozygotes.